The following is an entry in ClinVar:

NM_001352913.2(PPP2R5C):c.259+32903G>A

Gene: PPP2R5C (protein phosphatase 2 regulatory subunit B'gamma; plus strand). Cytogenetic location: 14q32.31.
Variant type: single nucleotide variant.
Coding change: c.259+32903G>A on transcript NM_001352913.2 (MANE Select); 32903 bases into the intron after coding-DNA position 259, G replaced by A.
Molecular consequence: intron variant. On other transcripts: splice donor variant (1).
Genome position (GRCh38, 1-based): chr14:101,819,086, G>A. VCF-style: chr14-101819086-G-A. GRCh37 (hg19) VCF-style: chr14-102285423-G-A.
Other names: c.274+32903G>A (NM_001352914.2); c.259+32903G>A (NM_001161726.2); c.187+1G>A (NM_001161725.2); c.-131-37600G>A (NM_001352915.2); c.94+9050G>A (NM_001352912.1, NM_002719.4, NM_178586.3 and 1 more transcripts); c.-236+9050G>A (NM_001352916.2).
Identifiers: ClinVar variation 4536885 (VCV004536885.1).

ClinVar aggregate classification (germline): Uncertain significance (1 of 4 stars; one submission).

gnomAD v4.1: 2 of 1,544,612 alleles (0.00013%); highest among the groups gnomAD compares: African/African-American, 0.0014%; no homozygotes.

Submission:

Women's Health and Genetics/Laboratory Corporation of America, LabCorp
Classification: Uncertain significance. Last evaluated: 2025-11-10. Review status: criteria provided, single submitter. Criteria: LabCorp Variant Classification Summary - May 2015. Collection method: clinical testing. Allele origin: germline.
Comment: Variant summary: PPP2R5C c.187+1G>A is located in a canonical splice-site and is predicted to affect mRNA splicing resulting in a significantly altered protein due to either exon skipping, shortening, or inclusion of intronic material. Variants that disrupt the consensus splice site are a relatively common cause of aberrant splicing, however current evidence is not sufficient to establish loss of function as a mechanism for disease. Several computational tools predict a significant impact on normal splicing: three predict the variant abolishes a 5' splicing donor site. However, these predictions have yet to be confirmed by functional studies. The variant allele was found at a frequency of 6.5e-06 in 154060 control chromosomes (gnomAD). The available data on variant occurrences in the general population are insufficient to allow any conclusion about variant significance. To our knowledge, no occurrence of c.187+1G>A in individuals affected with PPP2R5C-related conditions and no experimental evidence demonstrating its impact on protein function have been reported. No submitters have cited clinical-significance assessments for this variant to ClinVar. Based on the evidence outlined above, the variant was classified as uncertain significance.